The following is an entry in ClinVar:

ClinVar aggregate classification (germline): Uncertain significance (1 of 4 stars; one submission).

Allele frequency attached by ClinVar (database versions not stated): ExAC 0.00001; gnomAD 0.00001.
gnomAD v4.1: 33 of 1,614,048 alleles (0.002%); highest among the groups gnomAD compares: Non-Finnish European, 0.0026%; no homozygotes.

Submission:

GeneDx
Classification: Uncertain significance. Last evaluated: 2022-01-04. Review status: criteria provided, single submitter. Criteria: GeneDx Variant Classification Process June 2021. Collection method: clinical testing. Allele origin: germline. Affected: yes.
Comment: In silico analysis supports that this missense variant has a deleterious effect on protein structure/function; Has not been previously published as pathogenic or benign to our knowledge

NM_007118.4(TRIO):c.7936G>T (p.Asp2646Tyr)

Gene: TRIO (trio Rho guanine nucleotide exchange factor; plus strand). Cytogenetic location: 5p15.2.
Variant type: single nucleotide variant.
Coding change: c.7936G>T on transcript NM_007118.4 (MANE Select); coding-DNA position 7936, G replaced by T.
Protein change: p.Asp2646Tyr; replaces aspartic acid 2646 with tyrosine.
Molecular consequence: missense variant. On other transcripts: non-coding transcript variant (1).
Genome position (GRCh38, 1-based): chr5:14,496,934, G>T. VCF-style: chr5-14496934-G-T. GRCh37 (hg19) VCF-style: chr5-14497043-G-T.
Other names: short protein forms D2646Y.
Identifiers: ClinVar variation 1693413 (VCV001693413.2), dbSNP rs527326999, ClinGen allele CA3207667.